The following is an entry in ClinVar:

NM_000157.4(GBA1):c.1225-34C>A

Genes: GBA1 (glucosylceramidase beta 1; minus strand), LOC106627981 (GBA recombination region; plus strand). Cytogenetic location: 1q22.
Variant type: single nucleotide variant.
Coding change: c.1225-34C>A on transcript NM_000157.4 (MANE Select); 34 bases into the intron before coding-DNA position 1225, C replaced by A.
Molecular consequence: intron variant.
Genome position (GRCh38, 1-based): chr1:155,235,878, G>T on the plus strand (C>A on the coding strand, the complement: GBA1 is on the minus strand). VCF-style: chr1-155235878-G-T. GRCh37 (hg19) VCF-style: chr1-155205669-G-T.
Other names: c.964-34C>A (NM_001171811.2); c.1225-34C>A (NM_001005742.3, NM_001005741.3); c.1078-34C>A (NM_001171812.2).
Identifiers: ClinVar variation 256871 (VCV000256871.7), dbSNP rs3115534, ClinGen allele CA1141581.

ClinVar aggregate classification (germline): Benign. Review status: criteria provided, multiple submitters, no conflicts (2 of 4 stars). 6 submissions from 5 submitters: Benign (5). 1 of the submissions does not count toward it. Last evaluated 2024-07-31.

Conditions:
Gaucher disease. Also called: Acute cerebral Gaucher disease; Cerebroside lipidosis syndrome; Gaucher splenomegaly; Sphingolipidosis 1; Glucocerebrosidosis; Glucosylceramidase deficiency. Identifiers: Orphanet 355, MedGen C0017205, MONDO:0018150.
Gaucher disease type I (GD1). Also called: GD 1; Gaucher's disease, type 1; Type 1 Gaucher Disease; GAUCHER DISEASE, NONCEREBRAL JUVENILE; GBA DEFICIENCY; GD I. Identifiers: Orphanet 355, Orphanet 77259, MedGen C1961835, MONDO:0009265, OMIM 230800.
Gaucher disease perinatal lethal. Also called: Gaucher disease collodion type; Gaucher Disease, Perinatal-Lethal Form. Identifiers: Orphanet 85212, MedGen C1842704, MONDO:0011945, OMIM 608013.

Allele frequency attached by ClinVar (database versions not stated): 1000 Genomes Project 30x 0.93488; 1000 Genomes Project 0.94089; TOPMed 0.94885; gnomAD 0.94932 and 0.95261; ExAC 0.98423; gnomAD exomes 0.98664.

Submissions (6):

Unidad de Genómica Garrahan, Hospital de Pediatría Garrahan
Classification: Benign. Last evaluated: 2024-07-31. Review status: criteria provided, single submitter. Criteria: ACMG Guidelines, 2015. Collection method: clinical testing. Allele origin: germline. Affected: no. Observed: 92 variant alleles.
Comment: This variant is classified as Benign based on local population frequency. This variant was detected in 99% of patients studied in a panel designed for Epileptic and Developmental Encephalopathy, Progressive Myoclonus Epilepsy and Abnormal Movements and Neurodegeneration with brain iron accumulation. Number of patients: 92. Only high quality variants are reported.

Genome-Nilou Lab
Classification: Benign for Gaucher disease perinatal lethal. Last evaluated: 2021-07-01. Review status: criteria provided, single submitter. Criteria: ACMG Guidelines, 2015. Collection method: clinical testing. Allele origin: germline. Affected: no.

Genome-Nilou Lab
Classification: Benign for Gaucher disease type I. Last evaluated: 2021-07-01. Review status: criteria provided, single submitter. Criteria: ACMG Guidelines, 2015. Collection method: clinical testing. Allele origin: germline. Affected: no.

Women's Health and Genetics/Laboratory Corporation of America, LabCorp
Classification: Benign. Last evaluated: 2017-06-20. Review status: criteria provided, single submitter. Criteria: LabCorp Variant Classification Summary - May 2015. Collection method: clinical testing. Allele origin: germline.
Comment: Variant summary: The GBA c.1225-34C>A variant involves the alteration of a non-conserved intronic nucleotide. One in silico tool predicts a benign outcome for this variant. 5/5 splice prediction tools predict no significant impact on normal splicing, while ESE finder predicts the introduction of a novel SRp55 ESE site at the locus. However, these predictions have yet to be confirmed by functional studies. This variant was found in the large control database ExAC at a frequency of 0.9842258 (118924/120830 control chromosomes [58635 homozygotes]), which is approximately 197 times the estimated maximal expected allele frequency of a pathogenic GBA variant (0.005), indicating that this variant is the major allele in the general population and strongly suggesting this variant is a benign polymorphism. In addition, one clinical diagnostic laboratory has classified this variant as benign. Taken together, this variant is classified as benign.

PreventionGenetics, part of Exact Sciences
Classification: Benign. Review status: criteria provided, single submitter. Criteria: ACMG Guidelines, 2015. Collection method: clinical testing. Allele origin: germline.

Natera, Inc.
Classification: Benign for Gaucher disease. Last evaluated: 2020-09-16. Review status: no assertion criteria provided. Collection method: clinical testing. Allele origin: germline. Not counted in ClinVar's aggregate classification.

Literature cited by the submitters: PubMed 23418865 (cited by Women's Health and Genetics/Laboratory Corporation of America, LabCorp).